The following is an entry in ClinVar:

NM_172107.4(KCNQ2):c.2355C>A (p.Asp785Glu)

Gene: KCNQ2 (potassium voltage-gated channel subfamily Q member 2; minus strand). Cytogenetic location: 20q13.33.
Variant type: single nucleotide variant.
Coding change: c.2355C>A on transcript NM_172107.4 (MANE Select); coding-DNA position 2355, C replaced by A.
Protein change: p.Asp785Glu; replaces aspartic acid 785 with glutamic acid.
Molecular consequence: missense variant.
Genome position (GRCh38, 1-based): chr20:63,406,908, G>T on the plus strand (C>A on the coding strand, the complement: KCNQ2 is on the minus strand). VCF-style: chr20-63406908-G-T. GRCh37 (hg19) VCF-style: chr20-62038261-G-T.
Other names: c.2271C>A, p.Asp757Glu (NM_004518.6); c.2301C>A, p.Asp767Glu (NM_172106.3); c.2262C>A, p.Asp754Glu (NM_172108.5); c.2355C>A (NM_172107.2); short protein forms D785E, D754E, D757E, D767E.
Identifiers: ClinVar variation 444569 (VCV000444569.47), dbSNP rs781121496, ClinGen allele CA9958090.

ClinVar aggregate classification (germline): Uncertain significance. Review status: criteria provided, multiple submitters, no conflicts (2 of 4 stars). 3 submissions from 3 submitters: Uncertain significance (3). Last evaluated 2025-02-21.

Conditions:
Early-infantile DEE. Also called: Early infantile epileptic encephalopathy with suppression bursts; Ohtahara syndrome; Early infantile epileptic encephalopathy. Identifiers: Orphanet 1934, MedGen C0393706, MONDO:0800491.

Allele frequency attached by ClinVar (database versions not stated): ExAC below 0.00001.

Submissions (3):

GeneDx
Classification: Uncertain significance. Last evaluated: 2025-02-21. Review status: criteria provided, single submitter. Criteria: GeneDx Variant Classification Process June 2021. Collection method: clinical testing. Allele origin: germline. Affected: yes.
Comment: In silico analysis indicates that this missense variant does not alter protein structure/function; This substitution is predicted to be within the C-terminal cytoplasmic domain; Has not been previously published as pathogenic or benign to our knowledge

Labcorp Genetics (formerly Invitae), Labcorp
Classification: Uncertain significance for Early-infantile DEE. Last evaluated: 2024-08-20. Review status: criteria provided, single submitter. Criteria: Invitae Variant Classification Sherloc (09022015). Collection method: clinical testing. Allele origin: germline.
Comment: This sequence change replaces aspartic acid, which is acidic and polar, with glutamic acid, which is acidic and polar, at codon 785 of the KCNQ2 protein (p.Asp785Glu). The frequency data for this variant in the population databases is considered unreliable, as metrics indicate poor data quality at this position in the gnomAD database. This variant has not been reported in the literature in individuals affected with KCNQ2-related conditions. ClinVar contains an entry for this variant (Variation ID: 444569). An algorithm developed to predict the effect of missense changes on protein structure and function (PolyPhen-2) suggests that this variant is likely to be disruptive. In summary, the available evidence is currently insufficient to determine the role of this variant in disease. Therefore, it has been classified as a Variant of Uncertain Significance.

CeGaT Center for Human Genetics Tuebingen
Classification: Uncertain significance. Last evaluated: 2017-06-01. Review status: criteria provided, single submitter. Criteria: CeGaT Center For Human Genetics Tuebingen Variant Classification Criteria Version 2. Collection method: clinical testing. Allele origin: germline. Affected: yes. Observed: 1 variant allele.